The following is an entry in ClinVar:

NM_002335.4(LRP5):c.1627G>A (p.Asp543Asn)

Gene: LRP5 (LDL receptor related protein 5; plus strand). Cytogenetic location: 11q13.2.
Variant type: single nucleotide variant.
Coding change: c.1627G>A on transcript NM_002335.4 (MANE Select); coding-DNA position 1627, G replaced by A.
Protein change: p.Asp543Asn; replaces aspartic acid 543 with asparagine.
Molecular consequence: missense variant. On other transcripts: 5 prime UTR variant (1).
Genome position (GRCh38, 1-based): chr11:68,403,525, G>A. VCF-style: chr11-68403525-G-A. GRCh37 (hg19) VCF-style: chr11-68170993-G-A.
Other names: c.-311G>A (NM_001291902.2); short protein forms D543N.
Identifiers: ClinVar variation 2969715 (VCV002969715.5), dbSNP rs566952681, ClinGen allele CA6149393.

ClinVar aggregate classification (germline): Uncertain significance. Review status: criteria provided, multiple submitters, no conflicts (2 of 4 stars). 2 submissions from 2 submitters: Uncertain significance (2). Last evaluated 2026-06-01.

Allele frequency attached by ClinVar (database versions not stated): gnomAD 0.00001; gnomAD exomes 0.00001; ExAC 0.00002; 1000 Genomes Project 30x 0.00016; 1000 Genomes Project 0.00020.
gnomAD v4.1: 17 of 1,614,190 alleles (0.0011%); highest among the groups gnomAD compares: South Asian, 0.018%; 1 homozygote.

Submissions (2):

CeGaT Center for Human Genetics Tuebingen
Classification: Uncertain significance. Last evaluated: 2026-06-01. Review status: criteria provided, single submitter. Criteria: CeGaT Center For Human Genetics Tuebingen Variant Classification Criteria Version 2. Collection method: clinical testing. Allele origin: germline. Affected: yes. Observed: 1 variant allele.

Labcorp Genetics (formerly Invitae), Labcorp
Classification: Uncertain significance. Last evaluated: 2025-08-21. Review status: criteria provided, single submitter. Criteria: Invitae Variant Classification Sherloc (09022015). Collection method: clinical testing. Allele origin: germline.
Comment: This sequence change replaces aspartic acid, which is acidic and polar, with asparagine, which is neutral and polar, at codon 543 of the LRP5 protein (p.Asp543Asn). This variant is present in population databases (rs566952681, gnomAD 0.006%). This variant has not been reported in the literature in individuals affected with LRP5-related conditions. ClinVar contains an entry for this variant (Variation ID: 2969715). Invitae Evidence Modeling of protein sequence and biophysical properties (such as structural, functional, and spatial information, amino acid conservation, physicochemical variation, residue mobility, and thermodynamic stability) has been performed for this missense variant. However, the output from this modeling did not meet the statistical confidence thresholds required to predict the impact of this variant on LRP5 protein function. In summary, the available evidence is currently insufficient to determine the role of this variant in disease. Therefore, it has been classified as a Variant of Uncertain Significance.